The following continues an entry in ClinVar:

NM_002834.5(PTPN11):c.1391G>C (p.Gly464Ala)

Gene: PTPN11. ClinVar aggregate classification (germline): Pathogenic. Pathogenic (1).

Submissions 7 to 24 of 24:

ARUP Laboratories, Molecular Genetics and Genomics, ARUP Laboratories
Classification: Pathogenic. Last evaluated: 2023-11-14. Review status: criteria provided, single submitter. Criteria: ARUP Molecular Germline Variant Investigation Process 2024. Collection method: clinical testing. Allele origin: germline. Not counted in ClinVar's aggregate classification.
Comment: The PTPN11 c.1391G>C; p.Gly464Ala variant (rs121918469) is reported in the literature in multiple individuals and families with LEOPARD syndrome and Noonan syndrome (Baldo 2022, Nakagama 2018, Sarkozy 20004, Willig 2015). This variant is also reported in ClinVar (Variation ID: 13343). It is absent from the Genome Aggregation Database (v2.1.1), indicating it is not a common polymorphism. Computational analyses predict that this variant is deleterious (REVEL: 0.985). In support of these predictions, functional studies demonstrate that the variant protein has reduced catalytic activity compared to wildtype (Kontaridis 2006, Yu 2014). Based on available information, this variant is considered to be pathogenic. References: Baldo F et al. New insights on Noonan syndrome's clinical phenotype: a single center retrospective study. BMC Pediatr. 2022 Dec 24;22(1):734. PMID: 36566191. Kontaridis MI et al. PTPN11 (Shp2) mutations in LEOPARD syndrome have dominant negative, not activating, effects. J Biol Chem. 2006 Mar 10;281(10):6785-92. PMID: 16377799. Nakagama Y et al. Accelerated Cardiomyocyte Proliferation in the Heart of a Neonate With LEOPARD Syndrome-Associated Fatal Cardiomyopathy. Circ Heart Fail. 2018 Apr;11(4):e004660. PMID: 29602897. Sarkozy A et al. Clinical and molecular analysis of 30 patients with multiple lentigines LEOPARD syndrome. J Med Genet. 2004 May;41(5):e68. PMID: 15121796. Willig LK et al. Whole-genome sequencing for identification of Mendelian disorders in critically ill infants: a retrospective analysis of diagnostic and clinical findings. Lancet Respir Med. 2015 May;3(5):377-87. PMID: 25937001. Yu ZH et al. Molecular basis of gain-of-function LEOPARD syndrome-associated SHP2 mutations. Biochemistry. 2014 Jul 1;53(25):4136-51. PMID: 24935154.

Division of Human Genetics, National Health Laboratory Service/University of the Witwatersrand
Classification: Pathogenic for RASopathy. Last evaluated: 2023-07-01. Review status: criteria provided, single submitter. Criteria: ACMG Guidelines, 2015. Collection method: research. Allele origin: germline. Affected: yes. Not counted in ClinVar's aggregate classification.

Blueprint Genetics
Classification: Pathogenic for PTPN11-related disorders. Last evaluated: 2023-05-02. Review status: criteria provided, single submitter. Criteria: ACMG Guidelines, 2015. Collection method: clinical testing. Allele origin: de novo. Affected: yes. Observed: 1 variant allele. Not counted in ClinVar's aggregate classification.

Genetics and Molecular Pathology, SA Pathology
Classification: Pathogenic for Noonan syndrome 1. Last evaluated: 2022-06-30. Review status: criteria provided, single submitter. Criteria: ACMG Guidelines, 2015. Collection method: clinical testing. Allele origin: germline. Inheritance: Autosomal dominant inheritance. Affected: yes. Not counted in ClinVar's aggregate classification.

Mayo Clinic Laboratories, Mayo Clinic
Classification: Pathogenic. Last evaluated: 2022-05-13. Review status: criteria provided, single submitter. Criteria: ACMG Guidelines, 2015. Collection method: clinical testing. Allele origin: germline. Observed: 5 variant alleles. Not counted in ClinVar's aggregate classification.
Comment: PS3, PS4_moderate, PM1, PM2, PP2, PP3

Laboratory of Medical Genetics, National & Kapodistrian University of Athens
Classification: Pathogenic for Noonan syndrome 1. Last evaluated: 2022-01-18. Review status: criteria provided, single submitter. Criteria: ACMG Guidelines, 2015. Collection method: clinical testing. Allele origin: germline. Affected: yes. Not counted in ClinVar's aggregate classification.
Comment: PS4, PM1, PM2, PM5, PP2, PP3, PP5

Ambry Genetics
Classification: Pathogenic for Cardiovascular phenotype. Last evaluated: 2022-01-03. Review status: criteria provided, single submitter. Criteria: Ambry Variant Classification Scheme 2023. Collection method: clinical testing. Allele origin: germline. Not counted in ClinVar's aggregate classification.
Comment: The p.G464A pathogenic mutation (also known as c.1391G>C), located in coding exon 12 of the PTPN11 gene, results from a G to C substitution at nucleotide position 1391. The glycine at codon 464 is replaced by alanine, an amino acid with similar properties. This mutation was identified in multiple individuals with Noonan syndrome or Noonan syndrome with multiple lentigines (NSML, formerly LEOPARD syndrome), including at least three reportedly de novo cases (Sarkozy A et al. J. Med. Genet., 2004 May;41:e68; Yoshida R et al. Am. J. Med. Genet. A, 2004 Nov;130A:432-4; Ferrero GB et al. Eur J Med Genet Jul;51:566-72; Ko JM et al. J. Hum. Genet., 2008 Nov;53:999-1006; Willig LK et al. Lancet Respir Med, 2015 May;3:377-87; Noll AC et al. NPJ Genom Med, 2016 Aug;1:16026; Nakagama Y et al. Circ Heart Fail, 2018 Apr;11:e004660). In addition, functional analyses demonstrated that this mutation has a dominant negative effect and causes conformational changes in the protein structure (Kontaridis MI et al. J. Biol. Chem., 2006 Mar;281:6785-92; Yu ZH et al. Biochemistry, 2014 Jul;53:4136-51). Based on the supporting evidence, this alteration is interpreted as a disease-causing mutation.

GeneDx
Classification: Pathogenic. Last evaluated: 2021-12-15. Review status: criteria provided, single submitter. Criteria: GeneDx Variant Classification Process June 2021. Collection method: clinical testing. Allele origin: germline. Affected: yes. Not counted in ClinVar's aggregate classification.
Comment: Reported in association with Noonan syndrome with multiple lentigines (NSML and formerly called LEOPARD syndrome) and Noonan syndrome (Sarkozy et al., 2004; Ko et al., 2008; Ferrero et al., 2008); Published functional studies demonstrate expression of this variant results in reduced catalytic activity (Kontaridis et al., 2006; Yu et al., 2014); Not observed in large population cohorts (gnomAD); In silico analysis supports that this missense variant has a deleterious effect on protein structure/function; The majority of missense variants in this gene are considered pathogenic (HGMD); This variant is associated with the following publications: (PMID: 17453145, 16804314, 24935154, 24718990, 16377799, 24790373, 25937001, 19020799, 15121796, 18678287, 27484170, 27666661, 16358218, 15389709, 30105547, 29263817, 30896080, 29602897, 33318624, 32746448, 29493581)

HudsonAlpha Institute for Biotechnology
Classification: Pathogenic for Noonan syndrome 1. Last evaluated: 2020-11-02. Review status: criteria provided, single submitter. Criteria: ACMG Guidelines, 2015. Collection method: research. Allele origin: maternal. Affected: yes. Observed: 1 variant allele. Study: CSER-SouthSeq. Not counted in ClinVar's aggregate classification.
Comment: ACMG codes:PS4, PS1, PM2, PP5

Revvity Omics, Revvity
Classification: Pathogenic. Last evaluated: 2020-04-07. Review status: criteria provided, single submitter. Criteria: ACMG Guidelines, 2015. Collection method: clinical testing. Allele origin: germline. Not counted in ClinVar's aggregate classification.

Genome Diagnostics Laboratory, The Hospital for Sick Children
Classification: Pathogenic for Noonan syndrome and Noonan-related syndrome. Last evaluated: 2019-06-18. Review status: criteria provided, single submitter. Criteria: ACMG Guidelines, 2015. Collection method: clinical testing. Allele origin: germline. Affected: yes. Not counted in ClinVar's aggregate classification.

Center for Pediatric Genomic Medicine, Children's Mercy Hospital and Clinics
Classification: Pathogenic. Last evaluated: 2014-08-26. Review status: criteria provided, single submitter. Criteria: ACMG Guidelines, 2015. Collection method: clinical testing. Allele origin: germline. Not counted in ClinVar's aggregate classification.

Laboratory for Molecular Medicine, Mass General Brigham Personalized Medicine
Classification: Pathogenic for Noonan syndrome; Noonan syndrome with multiple lentigines. Last evaluated: 2014-03-04. Review status: criteria provided, single submitter. Criteria: LMM Criteria. Collection method: clinical testing. Allele origin: germline. Inheritance: Autosomal dominant inheritance. Observed: 4 variant alleles. Not counted in ClinVar's aggregate classification.
Comment: The p.Gly464Ala variant in PTPN11 has been reported in at least 2 individuals wi th clinical features of Noonan syndrome or LEOPARD syndrome (Ko 2008, Ferrero 20 08, Kitsiou-Tzeli 2006). In addition, this variant has been identified by our la boratory in 2 individuals with clinical features of a Noonan spectrum disorder. It was absent from large population studies. Furthermore, functional studies sug gest this variant has a dominant negative effect, which is an established pathog enic mechanism in LEOPARD syndrome (Kontaridis 2006, Edouard 2007). In summary, this variant meets our criteria to be classified as pathogenic for Noonan or LEO PARD syndrome in an autosomal dominant manner (zedmedicine/LMM).

Eurofins Ntd Llc (ga)
Classification: Pathogenic. Last evaluated: 2013-03-01. Review status: criteria provided, single submitter. Criteria: EGL Classification Definitions 2015. Collection method: clinical testing. Allele origin: germline. Observed: 1 variant allele, 1 heterozygote. Not counted in ClinVar's aggregate classification.

Clinical Genetics Service, Universitary Hospital 12 de Octubre
Classification: Pathogenic for Noonan syndrome 1. Review status: criteria provided, single submitter. Criteria: ACMG Guidelines, 2015. Collection method: clinical testing. Allele origin: germline. Affected: yes. Not counted in ClinVar's aggregate classification.

Juno Genomics, Hangzhou Juno Genomics, Inc
Classification: Pathogenic for Juvenile myelomonocytic leukemia; LEOPARD syndrome 1; Metachondromatosis; Noonan syndrome 1. Review status: criteria provided, single submitter. Criteria: ACMG Guidelines, 2015. Collection method: clinical testing. Allele origin: germline. Affected: yes. Not counted in ClinVar's aggregate classification.
Comment: Absent from controls (or at extremely low frequency if recessive) in Genome Aggregation Database.;Missense variant in a gene that has a low rate of benign missense variation.;Well-established in vitro or in vivo functional studies supportive of a damaging effect on the gene or gene product.;The prevalence of the variant in affected individuals is significantly increased compared to the prevalence in controls.;De novo (both maternity and paternity confirmed) in a patient with the disease and no family history.

OMIM
Classification: Pathogenic for LEOPARD SYNDROME 1. Last evaluated: 2004-11-01. Review status: no assertion criteria provided. Collection method: literature only. Allele origin: germline. Not counted in ClinVar's aggregate classification.

GeneReviews
No classification provided. Condition: LEOPARD syndrome 1. Review status: no classification provided. Collection method: literature only. Allele origin: unknown. Not counted in ClinVar's aggregate classification.

Literature cited by the submitters: PubMed 15121796 (cited by 5 submitters); PubMed 15389709 (cited by 4 submitters); PubMed 16358218 (cited by 3 submitters); PubMed 18678287 (cited by 4 submitters); PubMed 19020799 (cited by 4 submitters); PubMed 25937001 (cited by 5 submitters); PubMed 16377799 (cited by 6 submitters); PubMed 24935154 (cited by 3 submitters); PubMed 29602897 (cited by 3 submitters); PubMed 35325944 (cited by Variantyx, Inc.); PubMed 38540404 (cited by Variantyx, Inc.); PubMed 24718990 (cited by 3 submitters); PubMed 18241070 (cited by Women's Health and Genetics/Laboratory Corporation of America, LabCorp); PubMed 30105547 (cited by Mayo Clinic Laboratories, Mayo Clinic); PubMed 30896080 (cited by Mayo Clinic Laboratories, Mayo Clinic); PubMed 32746448 (cited by Mayo Clinic Laboratories, Mayo Clinic and Ambry Genetics); PubMed 33318624 (cited by Mayo Clinic Laboratories, Mayo Clinic); PubMed 29263817 (cited by Mayo Clinic Laboratories, Mayo Clinic and Ambry Genetics); PubMed 3274644 (cited by Mayo Clinic Laboratories, Mayo Clinic); PubMed 16804314 (cited by Ambry Genetics and Laboratory for Molecular Medicine, Mass General Brigham Personalized Medicine); PubMed 17453145 (cited by Ambry Genetics and Laboratory for Molecular Medicine, Mass General Brigham Personalized Medicine); PubMed 30732632 (cited by Ambry Genetics); PubMed 31259454 (cited by Ambry Genetics); PubMed 20301557 (cited by GeneReviews); NCBI Bookshelf NBK1383 (cited by GeneReviews).